The following is an entry in ClinVar:

ClinVar aggregate classification (germline): Likely pathogenic (1 of 4 stars; one submission).

Allele frequency attached by ClinVar (database versions not stated): gnomAD exomes below 0.00001.
gnomAD v4.1: 1 of 1,612,980 alleles (0.000062%); highest among the groups gnomAD compares: Non-Finnish European, 0.000085%; no homozygotes.

Submission:

Labcorp Genetics (formerly Invitae), Labcorp
Classification: Likely pathogenic. Last evaluated: 2021-11-26. Review status: criteria provided, single submitter. Criteria: Invitae Variant Classification Sherloc (09022015). Collection method: clinical testing. Allele origin: germline.
Comment: In summary, the currently available evidence indicates that the variant is pathogenic, but additional data are needed to prove that conclusively. Therefore, this variant has been classified as Likely Pathogenic. Algorithms developed to predict the effect of sequence changes on RNA splicing suggest that this variant may disrupt the consensus splice site. This variant has not been reported in the literature in individuals affected with LAMC2-related conditions. This variant is not present in population databases (gnomAD no frequency). This sequence change affects a donor splice site in intron 9 of the LAMC2 gene. It is expected to disrupt RNA splicing. Variants that disrupt the donor or acceptor splice site typically lead to a loss of protein function (PMID: 16199547), and loss-of-function variants in LAMC2 are known to be pathogenic (PMID: 11907499, 16473856).

Literature cited by the submitters: PubMed 16199547; PubMed 11907499; PubMed 16473856.

NM_005562.3(LAMC2):c.1285+1G>A

Gene: LAMC2 (laminin subunit gamma 2; plus strand). Cytogenetic location: 1q25.3.
Variant type: single nucleotide variant.
Coding change: c.1285+1G>A on transcript NM_005562.3 (MANE Select); the canonical splice donor site of the intron after coding-DNA position 1285, G replaced by A.
Molecular consequence: splice donor variant.
Genome position (GRCh38, 1-based): chr1:183,226,917, G>A. VCF-style: chr1-183226917-G-A. GRCh37 (hg19) VCF-style: chr1-183196052-G-A.
Other names: c.1285+1G>A (NM_018891.3).
Identifiers: ClinVar variation 1481738 (VCV001481738.6), dbSNP rs2102230520, ClinGen allele CA343686779.